The following is an entry in ClinVar:

ClinVar aggregate classification (germline): Pathogenic (1 of 4 stars; one submission).

Submission:

Labcorp Genetics (formerly Invitae), Labcorp
Classification: Pathogenic. Last evaluated: 2021-08-09. Review status: criteria provided, single submitter. Criteria: Invitae Variant Classification Sherloc (09022015). Collection method: clinical testing. Allele origin: germline.
Comment: This variant has not been reported in the literature in individuals affected with SCP2-related conditions. Algorithms developed to predict the effect of sequence changes on RNA splicing suggest that this variant may create or strengthen a splice site. For these reasons, this variant has been classified as Pathogenic. This variant is not present in population databases (ExAC no frequency). This sequence change creates a premature translational stop signal (p.Gly43Thrfs*13) in the SCP2 gene. It is expected to result in an absent or disrupted protein product. Loss-of-function variants in SCP2 are known to be pathogenic (PMID: 16685654, 26497993).

Literature cited by the submitters: PubMed 16685654; PubMed 26497993.

NM_002979.5(SCP2):c.103_125dup (p.Gly43fs)

Gene: SCP2 (sterol carrier protein 2; plus strand). Cytogenetic location: 1p32.3.
Variant type: Duplication.
Coding change: c.103_125dup on transcript NM_002979.5 (MANE Select); coding-DNA positions 103 to 125, 23 bases duplicated (TACCCTGACTTGGCAGAAGAAGC).
Protein change: p.Gly43fs; shifts the reading frame from glycine 43.
Molecular consequence: frameshift variant. On other transcripts: intron variant (1).
Genome position (GRCh38, 1-based): chr1:52,941,829-52,941,851, TACCCTGACTTGGCAGAAGAAGC duplicated; duplicating any 23 consecutive bases within chr1:52,941,828-52,941,851 gives the same sequence; the c. name uses the placement nearest the transcript's 3' end. VCF-style (leftmost placement, unchanged base first): chr1-52941827-A-ACTACCCTGACTTGGCAGAAGAAG. GRCh37 (hg19) VCF-style: chr1-53407499-A-ACTACCCTGACTTGGCAGAAGAAG.
Other names: c.103_125dup, p.Gly43fs (NM_001007098.3, NM_001193599.2, NM_001193600.2 and 1 more transcripts); c.-116-6180_-116-6158dup (NM_001193617.2); short protein forms G43fs.
Identifiers: ClinVar variation 1374591 (VCV001374591.6), dbSNP rs2150111242, ClinGen allele CA2573132447.
Genomic context (GRCh38, chr1:52,941,827, plus strand): 5'-GTATTTATTATCTCTTTCTATATCTCTAGTTTGTGAAGCCTGGAGCTGAGAATTCAAGAG[A>ACTACCCTGACTTGGCAGAAGAAG]CTACCCTGACTTGGCAGAAGAAGCAGGTAACATAGAACATTTAGATCTTTGAACATTCAT-3'